The following is an entry in ClinVar:

ClinVar aggregate classification (germline): Uncertain significance (1 of 4 stars; one submission).

Conditions:
Hypertrophic cardiomyopathy 26. Also called: Cardiomyopathy, familial hypertrophic, 26. Identifiers: Orphanet 75249, MedGen C4310749, MONDO:0014883, OMIM 617047.
Distal myopathy with posterior leg and anterior hand involvement. Also called: WILLIAMS DISTAL MYOPATHY. Identifiers: Orphanet 63273, MedGen C3279722, MONDO:0013550, OMIM 614065.
Myofibrillar myopathy 5. Also called: FILAMINOPATHY, AUTOSOMAL DOMINANT; Filaminopathy (type). Identifiers: Orphanet 171445, MedGen C1836050, MONDO:0012289, OMIM 609524.

Allele frequency attached by ClinVar (database versions not stated): gnomAD exomes below 0.00001 and 0.00001; gnomAD 0.00001; ExAC 0.00002; 1000 Genomes Project 30x 0.00031; 1000 Genomes Project 0.00040.
gnomAD v4.1: 5 of 1,614,152 alleles (0.00031%); highest among the groups gnomAD compares: Admixed American, 0.0033%; no homozygotes.

Submission:

Labcorp Genetics (formerly Invitae), Labcorp
Classification: Uncertain significance for Distal myopathy with posterior leg and anterior hand involvement; Myofibrillar myopathy 5; Hypertrophic cardiomyopathy 26. Last evaluated: 2025-07-13. Review status: criteria provided, single submitter. Criteria: Invitae Variant Classification Sherloc (09022015). Collection method: clinical testing. Allele origin: germline.
Comment: This sequence change replaces alanine, which is neutral and non-polar, with threonine, which is neutral and polar, at codon 2344 of the FLNC protein (p.Ala2344Thr). This variant is present in population databases (rs529917784, gnomAD 0.006%). This missense change has been observed in individual(s) with hypertrophic cardiomyopathy (PMID: 30411535). ClinVar contains an entry for this variant (Variation ID: 1038337). An algorithm developed to predict the effect of missense changes on protein structure and function (PolyPhen-2) suggests that this variant is likely to be disruptive. In summary, the available evidence is currently insufficient to determine the role of this variant in disease. Therefore, it has been classified as a Variant of Uncertain Significance.

Literature cited by the submitters: PubMed 30411535.

NM_001458.5(FLNC):c.7030G>A (p.Ala2344Thr)

Genes: FLNC-AS1 (FLNC antisense RNA 1; minus strand), FLNC (filamin C; plus strand). Cytogenetic location: 7q32.1.
Variant type: single nucleotide variant.
Coding change: c.7030G>A on transcript NM_001458.5 (MANE Select); coding-DNA position 7030, G replaced by A.
Protein change: p.Ala2344Thr; replaces alanine 2344 with threonine.
Molecular consequence: missense variant.
Genome position (GRCh38, 1-based): chr7:128,854,807, G>A. VCF-style: chr7-128854807-G-A. GRCh37 (hg19) VCF-style: chr7-128494861-G-A.
Other names: c.6931G>A, p.Ala2311Thr (NM_001127487.2); short protein forms A2344T, A2311T.
Identifiers: ClinVar variation 1038337 (VCV001038337.9), dbSNP rs529917784, ClinGen allele CA4476144.